The following is an entry in ClinVar:

ClinVar aggregate classification (germline): Conflicting classifications of pathogenicity. Review status: criteria provided, conflicting classifications (1 of 4 stars). 2 submissions from 2 submitters: Likely pathogenic (1); Uncertain significance (1). Last evaluated 2024-01-02.

Conditions:
Neuromuscular disease caused by qualitative or quantitative defects of dysferlin. Also called: Qualitative or quantitative defects of dysferlin; Dysferlinopathy. Identifiers: Orphanet 207073, MedGen C2931687, MONDO:0016145.

Submissions (2):

Labcorp Genetics (formerly Invitae), Labcorp
Classification: Likely pathogenic for Neuromuscular disease caused by qualitative or quantitative defects of dysferlin. Last evaluated: 2024-01-02. Review status: criteria provided, single submitter. Criteria: Invitae Variant Classification Sherloc (09022015). Collection method: clinical testing. Allele origin: germline.
Comment: This sequence change replaces proline, which is neutral and non-polar, with leucine, which is neutral and non-polar, at codon 260 of the DYSF protein (p.Pro260Leu). This variant is not present in population databases (gnomAD no frequency). This variant has not been reported in the literature in individuals affected with DYSF-related conditions. ClinVar contains an entry for this variant (Variation ID: 2441139). Advanced modeling of protein sequence and biophysical properties (such as structural, functional, and spatial information, amino acid conservation, physicochemical variation, residue mobility, and thermodynamic stability) performed at Invitae indicates that this missense variant is expected to disrupt DYSF protein function with a positive predictive value of 95%. This variant disrupts the p.Pro260 amino acid residue in DYSF. Other variant(s) that disrupt this residue have been determined to be pathogenic (PMID: 31475473). This suggests that this residue is clinically significant, and that variants that disrupt this residue are likely to be disease-causing. In summary, the currently available evidence indicates that the variant is pathogenic, but additional data are needed to prove that conclusively. Therefore, this variant has been classified as Likely Pathogenic.

Revvity Omics, Revvity
Classification: Uncertain significance. Last evaluated: 2019-09-11. Review status: criteria provided, single submitter. Criteria: ACMG Guidelines, 2015. Collection method: clinical testing. Allele origin: germline.

Literature cited by the submitters: PubMed 31475473 (cited by Labcorp Genetics (formerly Invitae), Labcorp).

NM_001130987.2(DYSF):c.875C>T (p.Pro292Leu)

Gene: DYSF (dysferlin; plus strand). Cytogenetic location: 2p13.2.
Variant type: single nucleotide variant.
Coding change: c.875C>T on transcript NM_001130987.2 (MANE Select); coding-DNA position 875, C replaced by T.
Protein change: p.Pro292Leu; replaces proline 292 with leucine.
Molecular consequence: missense variant.
Genome position (GRCh38, 1-based): chr2:71,515,738, C>T. VCF-style: chr2-71515738-C-T. GRCh37 (hg19) VCF-style: chr2-71742868-C-T.
Other names: c.782C>T, p.Pro261Leu (NM_001130455.2, NM_001130983.2, NM_001130984.2 and 1 more transcripts); c.779C>T, p.Pro260Leu (NM_001130976.2, NM_001130977.2, NM_001130978.2 and 1 more transcripts); c.872C>T, p.Pro291Leu (NM_001130979.2, NM_001130980.2, NM_001130981.2); c.875C>T, p.Pro292Leu (NM_001130982.2, NM_001130985.2); short protein forms P260L, P261L, P291L, P292L.
Identifiers: ClinVar variation 2441139 (VCV002441139.6), dbSNP rs1559053603, ClinGen allele CA347208985.